The following is an entry in ClinVar:

ClinVar aggregate classification (germline): Pathogenic (1 of 4 stars; one submission).

Conditions:
Ehlers-Danlos syndrome, dermatosparaxis type. Also called: EDS VIIC; Dermatosparaxis; Ehlers-Danlos syndrome, type VII, autosomal recessive. Identifiers: Orphanet 1901, MedGen C2700425, MONDO:0009161, OMIM 225410.

Submission:

Labcorp Genetics (formerly Invitae), Labcorp
Classification: Pathogenic for Ehlers-Danlos syndrome, dermatosparaxis type. Last evaluated: 2021-05-29. Review status: criteria provided, single submitter. Criteria: Invitae Variant Classification Sherloc (09022015). Collection method: clinical testing. Allele origin: germline.
Comment: This sequence change creates a premature translational stop signal (p.Leu198Alafs*7) in the ADAMTS2 gene. It is expected to result in an absent or disrupted protein product. Loss-of-function variants in ADAMTS2 are known to be pathogenic (PMID: 10417273). This variant is not present in population databases (ExAC no frequency). This variant has not been reported in the literature in individuals with ADAMTS2-related conditions. For these reasons, this variant has been classified as Pathogenic.

Literature cited by the submitters: PubMed 10417273.

NM_014244.5(ADAMTS2):c.591dup (p.Leu198fs)

Gene: ADAMTS2 (ADAM metallopeptidase with thrombospondin type 1 motif 2; minus strand). Cytogenetic location: 5q35.3.
Variant type: Duplication.
Coding change: c.591dup on transcript NM_014244.5 (MANE Select); coding-DNA position 591, one base duplicated (G; older notation c.591dupG).
Protein change: p.Leu198fs; shifts the reading frame from leucine 198.
Molecular consequence: frameshift variant.
Genome position (GRCh38, 1-based): chr5:179,273,008, C duplicated on the plus strand (G on the coding strand, the reverse complement: ADAMTS2 is on the minus strand); the first of 4 consecutive C bases (chr5:179,273,008-179,273,011); duplicating any one gives the same sequence. VCF-style (leftmost placement, unchanged base first): chr5-179273007-G-GC. GRCh37 (hg19) VCF-style: chr5-178700008-G-GC.
Other names: c.591dup, p.Leu198fs (NM_021599.4); short protein forms L198fs.
Identifiers: ClinVar variation 1455817 (VCV001455817.6), dbSNP rs2113513390, ClinGen allele CA2573139435.